The following is an entry in ClinVar:

NC_000005.10:g.112846669T>G

Variant type: single nucleotide variant.
Genome position: GRCh38 VCF-style: chr5-112846669-T-G. GRCh37 (hg19) VCF-style: chr5-112182366-T-G.
Identifiers: ClinVar variation 83270 (VCV000083270.2), dbSNP rs76955943, ClinGen allele CA250962.

ClinVar aggregate classification (germline): other (0 of 4 stars; one submission).

Conditions:
Familial colorectal cancer. Identifiers: MedGen CN280943, MONDO:0023113. Disease mechanism: loss of function.

Submission:

Systems Biology Platform Zhejiang California International NanoSystems Institute
Classification: other for Familial colorectal cancer. Review status: no assertion criteria provided. Collection method: not provided. Allele origin: unknown.
ClinVar note: Converted during submission from cancer to other.